The following is an entry in ClinVar:

ClinVar aggregate classification (germline): Benign. Review status: criteria provided, multiple submitters, no conflicts (2 of 4 stars). 3 submissions from 3 submitters: Benign (3). Last evaluated 2023-11-12.

Allele frequency attached by ClinVar (database versions not stated): TOPMed 0.15832; 1000 Genomes Project 30x 0.22111; 1000 Genomes Project 0.22624.
gnomAD v4.1: 240,710 of 1,575,856 alleles (15%); highest among the groups gnomAD compares: East Asian, 56%; 26,122 homozygotes.

Submissions (3):

Unidad de Genómica Garrahan, Hospital de Pediatría Garrahan
Classification: Benign. Last evaluated: 2023-11-12. Review status: criteria provided, single submitter. Criteria: ACMG Guidelines, 2015. Collection method: clinical testing. Allele origin: germline. Affected: no. Observed: 60 variant alleles.
Comment: This variant is classified as Benign based on local population frequency. This variant was detected in 63% of patients studied by a panel of primary immunodeficiencies. Number of patients: 60. Only high quality variants are reported.

GeneDx
Classification: Benign. Last evaluated: 2018-06-26. Review status: criteria provided, single submitter. Criteria: GeneDx Variant Classification Process June 2021. Collection method: clinical testing. Allele origin: germline. Affected: yes.

Breakthrough Genomics
Classification: Benign. Review status: criteria provided, single submitter. Criteria: ACMG Guidelines, 2015. Collection method: not provided. Allele origin: germline. Inheritance: Autosomal recessive inheritance. Affected: yes.

NM_203447.4(DOCK8):c.5818-84G>T

Gene: DOCK8 (dedicator of cytokinesis 8; plus strand). Cytogenetic location: 9p24.3.
Variant type: single nucleotide variant.
Coding change: c.5818-84G>T on transcript NM_203447.4 (MANE Select); 84 bases into the intron before coding-DNA position 5818, G replaced by T.
Molecular consequence: intron variant.
Genome position (GRCh38, 1-based): chr9:449,700, G>T. VCF-style: chr9-449700-G-T. GRCh37 (hg19) VCF-style: chr9-449700-G-T.
Other names: c.5614-84G>T (NM_001193536.2); c.5518-84G>T (NM_001190458.2).
Identifiers: ClinVar variation 1273911 (VCV001273911.4), dbSNP rs2031946, ClinGen allele CA13022895.
Genomic context (GRCh38, chr9:449,700, plus strand): 5'-CTGTTAAGAGTATTTTAAATTACTCTGAAAGTCTTTCCCTAGCTGCCTCTTCAAATTCAG[G>T]TGGCCTCTCTGTCATAGCTCCAGGCTTGTCCATAGCTTATGAGACCAGACAGTGACTTCC-3'